The following is an entry in ClinVar:

NM_001001557.4(GDF6):c.286G>C (p.Glu96Gln)

Gene: GDF6 (growth differentiation factor 6; minus strand). Cytogenetic location: 8q22.1.
Variant type: single nucleotide variant.
Coding change: c.286G>C on transcript NM_001001557.4 (MANE Select); coding-DNA position 286, G replaced by C.
Protein change: p.Glu96Gln; replaces glutamic acid 96 with glutamine.
Molecular consequence: missense variant.
Genome position (GRCh38, 1-based): chr8:96,160,407, C>G on the plus strand (G>C on the coding strand, the complement: GDF6 is on the minus strand). VCF-style: chr8-96160407-C-G. GRCh37 (hg19) VCF-style: chr8-97172635-C-G.
Other names: short protein forms E96Q.
Identifiers: ClinVar variation 2949399 (VCV002949399.3), dbSNP rs990872341, ClinGen allele CA181488506.

ClinVar aggregate classification (germline): Uncertain significance (1 of 4 stars; one submission).

Conditions:
Leber congenital amaurosis 17 (LCA17). Identifiers: Orphanet 65, MedGen C3715164, MONDO:0014145, OMIM 615360.
Klippel-Feil syndrome 1, autosomal dominant (KFS1). Also called: CERVICAL VERTEBRAL FUSION, AUTOSOMAL DOMINANT. Identifiers: Orphanet 2345, MedGen C1861689, MONDO:0007306, OMIM 118100.
Isolated microphthalmia 4. Identifiers: Orphanet 2542, MedGen C2751307, MONDO:0013130, OMIM 613094.
Microphthalmia, isolated, with coloboma 6 (MCOPCB6). Also called: MICROPHTHALMIA/COLOBOMA 6; Microphthalmia with coloboma 6, digenic; Microphthalmia with coloboma 6. Identifiers: Orphanet 98938, MedGen C3150968, MONDO:0013376, OMIM 613703.

Submission:

Labcorp Genetics (formerly Invitae), Labcorp
Classification: Uncertain significance for Isolated microphthalmia 4; Leber congenital amaurosis 17; Klippel-Feil syndrome 1, autosomal dominant; Microphthalmia, isolated, with coloboma 6. Last evaluated: 2023-06-28. Review status: criteria provided, single submitter. Criteria: Invitae Variant Classification Sherloc (09022015). Collection method: clinical testing. Allele origin: germline.
Comment: In summary, the available evidence is currently insufficient to determine the role of this variant in disease. Therefore, it has been classified as a Variant of Uncertain Significance. Advanced modeling of protein sequence and biophysical properties (such as structural, functional, and spatial information, amino acid conservation, physicochemical variation, residue mobility, and thermodynamic stability) performed at Invitae indicates that this missense variant is not expected to disrupt GDF6 protein function. This variant has not been reported in the literature in individuals affected with GDF6-related conditions. This variant is not present in population databases (gnomAD no frequency). This sequence change replaces glutamic acid, which is acidic and polar, with glutamine, which is neutral and polar, at codon 96 of the GDF6 protein (p.Glu96Gln).